The following is an entry in ClinVar:

NM_007294.4(BRCA1):c.4096+18T>C

Genes: BRCA1 (BRCA1 DNA repair associated; minus strand), LOC126862571 (BRD4-independent group 4 enhancer GRCh37_chr17:41243136-41244335; plus strand). Cytogenetic location: 17q21.31.
Variant type: single nucleotide variant.
Coding change: c.4096+18T>C on transcript NM_007294.4 (MANE Select); 18 bases into the intron after coding-DNA position 4096, T replaced by C.
Molecular consequence: intron variant.
Genome position (GRCh38, 1-based): chr17:43,091,417, A>G on the plus strand (T>C on the coding strand, the complement: BRCA1 is on the minus strand). VCF-style: chr17-43091417-A-G. GRCh37 (hg19) VCF-style: chr17-41243434-A-G.
Other names: c.665-385T>C (NM_001408440.1, NM_001408428.1, NM_001408426.1 and 12 more transcripts); c.3973+18T>C (NM_001407678.1, NM_001407666.1, NM_001407683.1 and 19 more transcripts); c.788-385T>C (NM_001407982.1, NM_001407970.1, NM_001407981.1 and 17 more transcripts); c.671-385T>C (NM_001408418.1, NM_001408423.1, NM_001408420.1 and 2 more transcripts); c.4096+18T>C (NM_001407621.1, NM_001407593.1, NM_001407639.1 and 30 more transcripts); c.3883+18T>C (NM_001407917.1, NM_001407897.1, NM_001407898.1 and 9 more transcripts); c.644-385T>C (NM_001408462.1, NM_001408470.1, NM_001408464.1 and 3 more transcripts); c.3886+18T>C (NM_001407902.1, NM_001407908.1, NM_001407882.1 and 13 more transcripts); and 41 more.
Identifiers: ClinVar variation 388810 (VCV000388810.15), dbSNP rs1057523237, ClinGen allele CA16607664.

ClinVar aggregate classification (germline): Likely benign. Review status: criteria provided, multiple submitters, no conflicts (2 of 4 stars). 3 submissions from 3 submitters: Likely benign (3). Last evaluated 2025-02-19.

Conditions:
Hereditary cancer-predisposing syndrome. Also called: Hereditary Cancer Syndrome; Hereditary neoplastic syndrome; Neoplastic Syndromes, Hereditary; Tumor predisposition. Identifiers: Orphanet 140162, MedGen C0027672, MeSH D009386, MONDO:0015356.
Hereditary breast ovarian cancer syndrome. Also called: Hereditary breast and ovarian cancer syndrome; BRCA1- and BRCA2-Associated Hereditary Breast and Ovarian Cancer; Hereditary breast and ovarian cancer; Hereditary breast and/or ovarian cancer syndrome; Hereditary breast and ovarian cancer syndrome (HBOC); Breast and ovarian cancer. Identifiers: Orphanet 145, MedGen C0677776, MeSH D061325, MONDO:0003582. Disease mechanism: loss of function.

Allele frequency attached by ClinVar (database versions not stated): gnomAD exomes below 0.00001.
gnomAD v4.1: 2 of 1,614,064 alleles (0.00012%); highest among the groups gnomAD compares: Non-Finnish European, 0.00017%; no homozygotes.

Submissions (3):

Labcorp Genetics (formerly Invitae), Labcorp
Classification: Likely benign for Hereditary breast ovarian cancer syndrome. Last evaluated: 2025-02-19. Review status: criteria provided, single submitter. Criteria: Invitae Variant Classification Sherloc (09022015). Collection method: clinical testing. Allele origin: germline.

GeneDx
Classification: Likely benign. Last evaluated: 2016-08-19. Review status: criteria provided, single submitter. Criteria: GeneDx Variant Classification (06012015). Collection method: clinical testing. Allele origin: germline. Affected: yes.
Comment: This variant is considered likely benign or benign based on one or more of the following criteria: it is a conservative change, it occurs at a poorly conserved position in the protein, it is predicted to be benign by multiple in silico algorithms, and/or has population frequency not consistent with disease.

Color Diagnostics, LLC DBA Color Health
Classification: Likely benign for Hereditary cancer-predisposing syndrome. Last evaluated: 2016-04-07. Review status: criteria provided, single submitter. Criteria: ACMG Guidelines, 2015. Collection method: clinical testing. Allele origin: germline.